The following is an entry in ClinVar:

NM_173500.4(TTBK2):c.577G>T (p.Ala193Ser)

Gene: TTBK2 (tau tubulin kinase 2; minus strand). Cytogenetic location: 15q15.2.
Variant type: single nucleotide variant.
Coding change: c.577G>T on transcript NM_173500.4 (MANE Select); coding-DNA position 577, G replaced by T.
Protein change: p.Ala193Ser; replaces alanine 193 with serine.
Molecular consequence: missense variant.
Genome position (GRCh38, 1-based): chr15:42,817,058, C>A on the plus strand (G>T on the coding strand, the complement: TTBK2 is on the minus strand). VCF-style: chr15-42817058-C-A. GRCh37 (hg19) VCF-style: chr15-43109256-C-A.
Other names: short protein forms A193S.
Identifiers: ClinVar variation 3904932 (VCV003904932.10).

ClinVar aggregate classification (germline): Uncertain significance (1 of 4 stars; one submission).

gnomAD v4.1: 1 of 1,607,028 alleles (0.000062%); highest among the groups gnomAD compares: Non-Finnish European, 0.000085%; no homozygotes.

Submission:

CeGaT Center for Human Genetics Tuebingen
Classification: Uncertain significance. Last evaluated: 2025-05-01. Review status: criteria provided, single submitter. Criteria: CeGaT Center For Human Genetics Tuebingen Variant Classification Criteria Version 2. Collection method: clinical testing. Allele origin: germline. Affected: yes. Observed: 1 variant allele.
Comment: TTBK2: PM2